The following is an entry in ClinVar:

ClinVar aggregate classification (germline): Likely benign. Review status: criteria provided, multiple submitters, no conflicts (2 of 4 stars). 2 submissions from 2 submitters: Likely benign (2). Last evaluated 2026-05-13.

Conditions:
TUB-related disorder. Also called: TUB-related condition.

Allele frequency attached by ClinVar (database versions not stated): gnomAD exomes below 0.00001; ExAC 0.00001.
gnomAD v4.1: 4 of 1,611,258 alleles (0.00025%); highest among the groups gnomAD compares: African/African-American, 0.0013%; no homozygotes.

Submissions (2):

PreventionGenetics, part of Exact Sciences
Classification: Likely benign for TUB-related condition. Last evaluated: 2026-05-13. Review status: criteria provided, single submitter. Criteria: ACMG Guidelines, 2015. Collection method: clinical testing. Allele origin: germline.
Comment: This variant is classified as likely benign based on ACMG/AMP sequence variant interpretation guidelines (Richards et al. 2015 PMID: 25741868, with internal and published modifications).

Labcorp Genetics (formerly Invitae), Labcorp
Classification: Likely benign. Last evaluated: 2022-01-22. Review status: criteria provided, single submitter. Criteria: Invitae Variant Classification Sherloc (09022015). Collection method: clinical testing. Allele origin: germline.

NM_177972.3(TUB):c.1215+9C>T

Genes: RIC3 (RIC3 acetylcholine receptor chaperone; minus strand), TUB (TUB bipartite transcription factor; plus strand). Cytogenetic location: 11p15.4.
Variant type: single nucleotide variant.
Coding change: c.1215+9C>T on transcript NM_177972.3 (MANE Select); 9 bases into the intron after coding-DNA position 1215, C replaced by T.
Molecular consequence: intron variant.
Genome position (GRCh38, 1-based): chr11:8,100,610, C>T. VCF-style: chr11-8100610-C-T. GRCh37 (hg19) VCF-style: chr11-8122157-C-T.
Other names: c.1380+9C>T (NM_003320.4, NM_003320.5).
Identifiers: ClinVar variation 1544931 (VCV001544931.9), dbSNP rs758796067, ClinGen allele CA5871405.